The following is an entry in ClinVar:

NM_006506.5(RASA2):c.2038G>A (p.Glu680Lys)

Gene: RASA2 (RAS p21 protein activator 2; plus strand). Cytogenetic location: 3q23.
Variant type: single nucleotide variant.
Coding change: c.2038G>A on transcript NM_006506.5 (MANE Select); coding-DNA position 2038, G replaced by A.
Protein change: p.Glu680Lys; replaces glutamic acid 680 with lysine.
Molecular consequence: missense variant.
Genome position (GRCh38, 1-based): chr3:141,608,510, G>A. VCF-style: chr3-141608510-G-A. GRCh37 (hg19) VCF-style: chr3-141327352-G-A.
Other names: c.2041G>A, p.Glu681Lys (NM_001303245.3); c.2050G>A, p.Glu684Lys (NM_001303246.3); short protein forms E680K, E684K, E681K.
Identifiers: ClinVar variation 3659430 (VCV003659430.2).

ClinVar aggregate classification (germline): Uncertain significance (1 of 4 stars; one submission).

Submission:

Labcorp Genetics (formerly Invitae), Labcorp
Classification: Uncertain significance. Last evaluated: 2024-07-13. Review status: criteria provided, single submitter. Criteria: Invitae Variant Classification Sherloc (09022015). Collection method: clinical testing. Allele origin: germline.
Comment: This sequence change replaces glutamic acid, which is acidic and polar, with lysine, which is basic and polar, at codon 680 of the RASA2 protein (p.Glu680Lys). This variant is not present in population databases (gnomAD no frequency). This variant has not been reported in the literature in individuals affected with RASA2-related conditions. Advanced modeling of protein sequence and biophysical properties (such as structural, functional, and spatial information, amino acid conservation, physicochemical variation, residue mobility, and thermodynamic stability) performed at Invitae indicates that this missense variant is not expected to disrupt RASA2 protein function with a negative predictive value of 80%. In summary, the available evidence is currently insufficient to determine the role of this variant in disease. Therefore, it has been classified as a Variant of Uncertain Significance.